The following is an entry in ClinVar:

ClinVar aggregate classification (germline): Conflicting classifications of pathogenicity. Review status: criteria provided, conflicting classifications (1 of 4 stars). 5 submissions from 5 submitters: Uncertain significance (3); Likely benign (2). Last evaluated 2025-09-08.

Conditions:
IGHMBP2-related disorder. Also called: IGHMBP2-related condition; IGHMBP2-related disorders.
Inborn genetic diseases. Identifiers: MedGen C0950123, MeSH D030342.
Autosomal recessive distal spinal muscular atrophy 1. Also called: HMN VI; NEURONOPATHY, SEVERE INFANTILE AXONAL, WITH RESPIRATORY FAILURE; SEVERE INFANTILE AXONAL NEUROPATHY WITH RESPIRATORY FAILURE; SPINAL MUSCULAR ATROPHY, DIAPHRAGMATIC; Spinal muscular atrophy with respiratory distress 1; NEURONOPATHY, DISTAL HEREDITARY MOTOR, HARDING TYPE VI. Identifiers: Orphanet 98920, MedGen C1858517, MONDO:0011436, OMIM 604320.
Charcot-Marie-Tooth disease axonal type 2S. Also called: CHARCOT-MARIE-TOOTH NEUROPATHY, TYPE 2S; CHARCOT-MARIE-TOOTH DISEASE, AXONAL, AUTOSOMAL RECESSIVE, TYPE 2S. Identifiers: Orphanet 443073, MedGen C4015349, MONDO:0014511, OMIM 616155.

Allele frequency attached by ClinVar (database versions not stated): gnomAD 0.00003; gnomAD exomes 0.00007 and 0.00018; TOPMed 0.00009; ExAC 0.00017.
gnomAD v4.1: 102 of 1,613,782 alleles (0.0063%); highest among the groups gnomAD compares: Admixed American, 0.082%; no homozygotes.

Submissions (5):

PreventionGenetics, part of Exact Sciences
Classification: Likely benign for IGHMBP2-related condition. Last evaluated: 2025-09-08. Review status: criteria provided, single submitter. Criteria: ACMG Guidelines, 2015. Collection method: clinical testing. Allele origin: germline.
Comment: This variant is classified as likely benign based on ACMG/AMP sequence variant interpretation guidelines (Richards et al. 2015 PMID: 25741868, with internal and published modifications).

Labcorp Genetics (formerly Invitae), Labcorp
Classification: Uncertain significance for Autosomal recessive distal spinal muscular atrophy 1; Charcot-Marie-Tooth disease axonal type 2S. Last evaluated: 2022-10-18. Review status: criteria provided, single submitter. Criteria: Invitae Variant Classification Sherloc (09022015). Collection method: clinical testing. Allele origin: germline.
Comment: This sequence change falls in intron 12 of the IGHMBP2 gene. It does not directly change the encoded amino acid sequence of the IGHMBP2 protein. It affects a nucleotide within the consensus splice site. This variant is present in population databases (rs778913429, gnomAD 0.1%). This variant has not been reported in the literature in individuals affected with IGHMBP2-related conditions. ClinVar contains an entry for this variant (Variation ID: 466584). Variants that disrupt the consensus splice site are a relatively common cause of aberrant splicing (PMID: 17576681, 9536098). Algorithms developed to predict the effect of sequence changes on RNA splicing suggest that this variant is not likely to affect RNA splicing. In summary, the available evidence is currently insufficient to determine the role of this variant in disease. Therefore, it has been classified as a Variant of Uncertain Significance.

Ambry Genetics
Classification: Uncertain significance for Inborn genetic diseases. Last evaluated: 2020-03-12. Review status: criteria provided, single submitter. Criteria: Ambry Variant Classification Scheme 2023. Collection method: clinical testing. Allele origin: germline.
Comment: The c.1756+4C>T intronic variant results from a C to T substitution 4 nucleotides after coding exon 12 in the IGHMBP2 gene. This nucleotide position is not well conserved in available vertebrate species. Using the BDGP and ESEfinder splice site prediction tools, this alteration is not predicted to have any significant effect on this splice donor site; however, direct evidence is unavailable. Since supporting evidence is limited at this time, the clinical significance of this alteration remains unclear.

Mayo Clinic Laboratories, Mayo Clinic
Classification: Uncertain significance. Last evaluated: 2020-01-13. Review status: criteria provided, single submitter. Criteria: ACMG Guidelines, 2015. Collection method: clinical testing. Allele origin: germline. Observed: 1 variant allele.

GeneDx
Classification: Likely benign. Last evaluated: 2018-02-28. Review status: criteria provided, single submitter. Criteria: GeneDx Variant Classification (06012015). Collection method: clinical testing. Allele origin: germline. Affected: yes.
Comment: This variant is considered likely benign or benign based on one or more of the following criteria: it is a conservative change, it occurs at a poorly conserved position in the protein, it is predicted to be benign by multiple in silico algorithms, and/or has population frequency not consistent with disease.

Literature cited by the submitters: PubMed 17576681 (cited by Labcorp Genetics (formerly Invitae), Labcorp); PubMed 9536098 (cited by Labcorp Genetics (formerly Invitae), Labcorp).

NM_002180.3(IGHMBP2):c.1756+4C>T

Gene: IGHMBP2 (immunoglobulin mu DNA binding protein 2; plus strand). Cytogenetic location: 11q13.3.
Variant type: single nucleotide variant.
Coding change: c.1756+4C>T on transcript NM_002180.3 (MANE Select); 4 bases into the intron after coding-DNA position 1756, C replaced by T.
Molecular consequence: intron variant.
Genome position (GRCh38, 1-based): chr11:68,935,426, C>T. VCF-style: chr11-68935426-C-T. GRCh37 (hg19) VCF-style: chr11-68702894-C-T.
Identifiers: ClinVar variation 466584 (VCV000466584.12), dbSNP rs778913429, ClinGen allele CA6153754.